The following is an entry in ClinVar:

ClinVar aggregate classification (germline): Uncertain significance (0 of 4 stars; one submission).

Submission:

Biesecker Lab/Clinical Genomics Section, National Institutes of Health
Classification: Uncertain significance. Last evaluated: 2012-07-13. Review status: no assertion criteria provided. Collection method: research. Allele origin: germline. Affected: no. Observed: 1 variant allele. Study: ClinSeq.
ClinVar note: Converted during submission from variant of unknown significance to Uncertain significance.

NM_001370259.2(MEN1):c.341G>T (p.Ser114Ile)

Gene: MEN1 (menin 1; minus strand). Cytogenetic location: 11q13.1.
Variant type: single nucleotide variant.
Coding change: c.341G>T on transcript NM_001370259.2 (MANE Select); coding-DNA position 341, G replaced by T.
Protein change: p.Ser114Ile; replaces serine 114 with isoleucine.
Molecular consequence: missense variant.
Genome position (GRCh38, 1-based): chr11:64,809,769, C>A on the plus strand (G>T on the coding strand, the complement: MEN1 is on the minus strand). VCF-style: chr11-64809769-C-A. GRCh37 (hg19) VCF-style: chr11-64577241-C-A.
Other names: c.341G>T, p.Ser114Ile (NM_000244.4, NM_001370251.2, NM_001370260.2 and 9 more transcripts); short protein forms S114I.
Identifiers: ClinVar variation 41853 (VCV000041853.3), dbSNP rs386833404, ClinGen allele CA009376.